The following is an entry in ClinVar:

ClinVar aggregate classification (germline): Pathogenic/Likely pathogenic. Review status: criteria provided, multiple submitters, no conflicts (2 of 4 stars). 4 submissions from 4 submitters: Pathogenic (1); Likely pathogenic (3). Last evaluated 2026-03-06.

Conditions:
Hereditary cancer-predisposing syndrome. Also called: Neoplastic Syndromes, Hereditary; Hereditary neoplastic syndrome; Tumor predisposition; Hereditary Cancer Syndrome. Identifiers: Orphanet 140162, MedGen C0027672, MeSH D009386, MONDO:0015356.
Familial spontaneous pneumothorax (PSP). Identifiers: Orphanet 2903, MedGen C1868193, MONDO:0008259, OMIM 173600.
Birt-Hogg-Dube syndrome. Also called: Birt Hogg Dubé syndrome. Identifiers: Orphanet 122, MedGen C0346010, MONDO:0800444.

Submissions (4):

Ambry Genetics
Classification: Likely pathogenic for Hereditary cancer-predisposing syndrome. Last evaluated: 2026-03-06. Review status: criteria provided, single submitter. Criteria: Ambry Variant Classification Scheme 2023. Collection method: clinical testing. Allele origin: germline.
Comment: The c.1432+2T>C intronic variant results from a T to C substitution two nucleotides after coding exon 9 in the FLCN gene. Variants that disrupt the canonical splice site are expected to cause aberrant splicing, resulting in an abnormal protein or a transcript that is subject to nonsense-mediated mRNA decay. This variant was reported in individual(s) with features consistent with Birt-Hogg-Dube syndrome (Ambry internal data; external communication). This variant is considered to be rare based on population cohorts in the Genome Aggregation Database (gnomAD). In silico splice site analysis predicts that this alteration will weaken the native splice donor site and may result in the creation or strengthening of a novel splice donor site; however, direct evidence is insufficient at this time (Ambry internal data). Based on the majority of available evidence to date, this variant is likely to be pathogenic.

Mayo Clinic Laboratories, Mayo Clinic
Classification: Likely pathogenic. Last evaluated: 2024-04-02. Review status: criteria provided, single submitter. Criteria: ACMG Guidelines, 2015. Collection method: clinical testing. Allele origin: germline. Observed: 1 variant allele.
Comment: PM2_moderate, PVS1_strong

Labcorp Genetics (formerly Invitae), Labcorp
Classification: Pathogenic for Birt-Hogg-Dube syndrome. Last evaluated: 2023-07-26. Review status: criteria provided, single submitter. Criteria: Invitae Variant Classification Sherloc (09022015). Collection method: clinical testing. Allele origin: germline.
Comment: This sequence change affects a donor splice site in intron 12 of the FLCN gene. It is expected to disrupt RNA splicing. Variants that disrupt the donor or acceptor splice site typically lead to a loss of protein function (PMID: 16199547), and loss-of-function variants in FLCN are known to be pathogenic (PMID: 15852235). This variant is not present in population databases (gnomAD no frequency). Disruption of this splice site has been observed in individual(s) with clinical features of Birt-Hogg-Dubé syndrome (Invitae). ClinVar contains an entry for this variant (Variation ID: 633219). Algorithms developed to predict the effect of sequence changes on RNA splicing suggest that this variant may disrupt the consensus splice site. For these reasons, this variant has been classified as Pathogenic.

Women's Health and Genetics/Laboratory Corporation of America, LabCorp
Classification: Likely pathogenic for Pneumothorax, primary spontaneous. Last evaluated: 2018-02-22. Review status: criteria provided, single submitter. Criteria: LabCorp Variant Classification Summary - May 2015. Collection method: clinical testing. Allele origin: germline.
Comment: Variant summary: FLCN c.1432+2T>C is located in a canonical splice-site and is predicted to affect mRNA splicing resulting in a significantly altered protein due to either exon skipping, shortening, or inclusion of intronic material. Several computational tools predict a significant impact on normal splicing: Four predict the variant abolishes a 5' splicing donor site. However, these predictions have yet to be confirmed by functional studies. The variant was absent in 246180 control chromosomes. To our knowledge, no occurrence of c.1432+2T>C in individuals affected with Birt-Hogg-Dube Syndrome and no experimental evidence demonstrating its impact on protein function have been reported. No clinical diagnostic laboratories have submitted clinical-significance assessments for this variant to ClinVar after 2014. Based on the evidence outlined above, the variant was classified as likely pathogenic.

Literature cited by the submitters: PubMed 16199547 (cited by Labcorp Genetics (formerly Invitae), Labcorp); PubMed 15852235 (cited by Labcorp Genetics (formerly Invitae), Labcorp).

NM_144997.7(FLCN):c.1432+2T>C

Gene: FLCN (folliculin; minus strand). Cytogenetic location: 17p11.2.
Variant type: single nucleotide variant.
Coding change: c.1432+2T>C on transcript NM_144997.7 (MANE Select); the canonical splice donor site of the intron after coding-DNA position 1432, T replaced by C.
Molecular consequence: splice donor variant.
Genome position (GRCh38, 1-based): chr17:17,215,183, A>G on the plus strand (T>C on the coding strand, the complement: FLCN is on the minus strand). VCF-style: chr17-17215183-A-G. GRCh37 (hg19) VCF-style: chr17-17118497-A-G.
Other names: c.1432+2T>C (NM_001353231.2, NM_001353230.2); c.1486+2T>C (NM_001353229.2).
Identifiers: ClinVar variation 633219 (VCV000633219.7), dbSNP rs1567807517, ClinGen allele CA398531065.